The following is an entry in ClinVar:

NM_000036.3(AMPD1):c.785G>A (p.Arg262Gln)

Gene: AMPD1 (adenosine monophosphate deaminase 1; minus strand). Cytogenetic location: 1p13.2.
Variant type: single nucleotide variant.
Coding change: c.785G>A on transcript NM_000036.3 (MANE Select); coding-DNA position 785, G replaced by A.
Protein change: p.Arg262Gln; replaces arginine 262 with glutamine.
Molecular consequence: missense variant.
Genome position (GRCh38, 1-based): chr1:114,679,691, C>T on the plus strand (G>A on the coding strand, the complement: AMPD1 is on the minus strand). VCF-style: chr1-114679691-C-T. GRCh37 (hg19) VCF-style: chr1-115222312-C-T.
Other names: c.773G>A, p.Arg258Gln (NM_001172626.2); c.884G>A (NM_000036.2); short protein forms R258Q, R262Q.
Identifiers: ClinVar variation 1488990 (VCV001488990.12), dbSNP rs764094155, ClinGen allele CA1020303.

ClinVar aggregate classification (germline): Uncertain significance. Review status: criteria provided, multiple submitters, no conflicts (2 of 4 stars). 4 submissions from 4 submitters: Uncertain significance (4). Last evaluated 2026-01-28.

Conditions:
Inborn genetic diseases. Identifiers: MedGen C0950123, MeSH D030342.
Muscle AMP deaminase deficiency (MMDD). Also called: ADENOSINE MONOPHOSPHATE DEAMINASE-1 DEFICIENCY, MYOPATHY DUE TO; AMPD1 DEFICIENCY; Myoadenylate deaminase deficiency, myopathy due to; Adenosine monophosphate deaminase 1 deficiency; AMP deaminase 1 deficiency; Adenosine Monophosphate Deaminase 1. Identifiers: Orphanet 45, MedGen C3714933, MONDO:0014220, OMIM 615511.

Allele frequency attached by ClinVar (database versions not stated): ExAC 0.00002; gnomAD exomes 0.00002; gnomAD 0.00014; TOPMed 0.00029.
gnomAD v4.1: 53 of 1,613,688 alleles (0.0033%); highest among the groups gnomAD compares: Admixed American, 0.038%; no homozygotes.

Submissions (4):

Labcorp Genetics (formerly Invitae), Labcorp
Classification: Uncertain significance for Muscle AMP deaminase deficiency. Last evaluated: 2026-01-28. Review status: criteria provided, single submitter. Criteria: Invitae Variant Classification Sherloc (09022015). Collection method: clinical testing. Allele origin: germline.
Comment: This sequence change replaces arginine, which is basic and polar, with glutamine, which is neutral and polar, at codon 295 of the AMPD1 protein (p.Arg295Gln). This variant is present in population databases (rs764094155, gnomAD 0.006%). This variant has not been reported in the literature in individuals affected with AMPD1-related conditions. ClinVar contains an entry for this variant (Variation ID: 1488990). Invitae Evidence Modeling of protein sequence and biophysical properties (such as structural, functional, and spatial information, amino acid conservation, physicochemical variation, residue mobility, and thermodynamic stability) indicates that this missense variant is not expected to disrupt AMPD1 protein function with a negative predictive value of 80%. In summary, the available evidence is currently insufficient to determine the role of this variant in disease. Therefore, it has been classified as a Variant of Uncertain Significance.

Ambry Genetics
Classification: Uncertain significance for Inborn genetic diseases. Last evaluated: 2025-11-24. Review status: criteria provided, single submitter. Criteria: Ambry Variant Classification Scheme 2023. Collection method: clinical testing. Allele origin: germline.

Blueprint Genetics
Classification: Uncertain significance. Last evaluated: 2022-08-04. Review status: criteria provided, single submitter. Criteria: ACMG Guidelines, 2015. Collection method: clinical testing. Allele origin: germline.

Revvity Omics, Revvity
Classification: Uncertain significance for Muscle AMP deaminase deficiency. Last evaluated: 2019-02-28. Review status: criteria provided, single submitter. Criteria: ACMG Guidelines, 2015. Collection method: clinical testing. Allele origin: germline.